The following is an entry in ClinVar:

ClinVar aggregate classification (germline): Likely benign (1 of 4 stars; one submission).

Allele frequency attached by ClinVar (database versions not stated): gnomAD 0.01125 and 0.01202; TOPMed 0.01283; 1000 Genomes Project 0.01478; 1000 Genomes Project 30x 0.01718.
gnomAD v4.1: 1,690 of 152,318 alleles (1.1%); highest among the groups gnomAD compares: African/African-American, 3.8%; 30 homozygotes.

Submission:

GeneDx
Classification: Likely benign. Last evaluated: 2018-06-16. Review status: criteria provided, single submitter. Criteria: GeneDx Variant Classification (06012015). Collection method: clinical testing. Allele origin: germline. Affected: yes.
Comment: This variant is considered likely benign or benign based on one or more of the following criteria: it is a conservative change, it occurs at a poorly conserved position in the protein, it is predicted to be benign by multiple in silico algorithms, and/or has population frequency not consistent with disease.

NM_005045.4(RELN):c.6671+162T>G

Gene: RELN (reelin; minus strand). Cytogenetic location: 7q22.1.
Variant type: single nucleotide variant.
Coding change: c.6671+162T>G on transcript NM_005045.4 (MANE Select); 162 bases into the intron after coding-DNA position 6671, T replaced by G.
Molecular consequence: intron variant.
Genome position (GRCh38, 1-based): chr7:103,542,569, A>C on the plus strand (T>G on the coding strand, the complement: RELN is on the minus strand). VCF-style: chr7-103542569-A-C. GRCh37 (hg19) VCF-style: chr7-103183016-A-C.
Other names: c.6671+162T>G (NM_173054.3).
Identifiers: ClinVar variation 678361 (VCV000678361.1), dbSNP rs60512397, ClinGen allele CA163944321.
Genomic context (GRCh38, chr7:103,542,569, plus strand): 5'-GGTATGTTTCCTTTCTGATTAAGTTATTGAATAATCTCTTTCAATTTTAGAATAGAAATT[A>C]TGTAACTTGTGTCTTCCTGAAAGCTTTGATAAAGAGAGAAGTTCAGTATTTACAATGGAA-3'